The following is an entry in ClinVar:

ClinVar aggregate classification (germline): Likely benign. Review status: criteria provided, multiple submitters, no conflicts (2 of 4 stars). 7 submissions from 7 submitters: Likely benign (7). Last evaluated 2025-11-01.

Conditions:
Familial thoracic aortic aneurysm and aortic dissection (TAAD). Also called: Thoracic aortic aneurysms and dissections. Identifiers: Orphanet 91387, MedGen C4707243, MONDO:0019625.
Aneurysm-osteoarthritis syndrome. Also called: SMAD3-Related Loeys-Dietz Syndrome; ANEURYSMS-OSTEOARTHRITIS SYNDROME; LOEYS-DIETZ SYNDROME WITH OSTEOARTHRITIS; Loeys-Dietz syndrome, type 1C. Identifiers: Orphanet 284984, MedGen C3151087, MONDO:0013426, OMIM 613795.

Allele frequency attached by ClinVar (database versions not stated): gnomAD 0.00001; gnomAD exomes 0.00001 and 0.00003; TOPMed 0.00002; ExAC 0.00004; ESP Exome Variant Server 0.00015.

Submissions (7):

CeGaT Center for Human Genetics Tuebingen
Classification: Likely benign. Last evaluated: 2025-11-01. Review status: criteria provided, single submitter. Criteria: CeGaT Center For Human Genetics Tuebingen Variant Classification Criteria Version 2. Collection method: clinical testing. Allele origin: germline. Affected: yes. Observed: 1 variant allele.
Comment: SMAD3: BP4, BP7

Labcorp Genetics (formerly Invitae), Labcorp
Classification: Likely benign for Familial thoracic aortic aneurysm and aortic dissection. Last evaluated: 2025-09-02. Review status: criteria provided, single submitter. Criteria: Invitae Variant Classification Sherloc (09022015). Collection method: clinical testing. Allele origin: germline.

All of Us Research Program, National Institutes of Health
Classification: Likely benign for Aneurysm-osteoarthritis syndrome. Last evaluated: 2024-05-14. Review status: criteria provided, single submitter. Criteria: ACMG Guidelines, 2015. Collection method: clinical testing. Allele origin: germline. Inheritance: Autosomal dominant inheritance. Observed: 4 variant alleles, 4 heterozygotes.
Comment: This study involves interpretation of variants in research participants for the purpose of population health screening. Participant phenotype was not available at the time of variant classification. Additional details can be found in publication PMID: 35346344, PMCID: PMC8962531

Blueprint Genetics
Classification: Likely benign. Last evaluated: 2023-02-13. Review status: criteria provided, single submitter. Criteria: ACMG Guidelines, 2015. Collection method: clinical testing. Allele origin: germline.

Color Diagnostics, LLC DBA Color Health
Classification: Likely benign for Familial thoracic aortic aneurysm and aortic dissection. Last evaluated: 2019-06-26. Review status: criteria provided, single submitter. Criteria: ACMG Guidelines, 2015. Collection method: clinical testing. Allele origin: germline.

Ambry Genetics
Classification: Likely benign for Familial thoracic aortic aneurysm and aortic dissection. Last evaluated: 2019-05-20. Review status: criteria provided, single submitter. Criteria: Ambry Variant Classification Scheme 2023. Collection method: clinical testing. Allele origin: germline.

GeneDx
Classification: Likely benign. Last evaluated: 2016-09-08. Review status: criteria provided, single submitter. Criteria: GeneDx Variant Classification (06012015). Collection method: clinical testing. Allele origin: germline. Affected: yes.
Comment: This variant is considered likely benign or benign based on one or more of the following criteria: it is a conservative change, it occurs at a poorly conserved position in the protein, it is predicted to be benign by multiple in silico algorithms, and/or has population frequency not consistent with disease.

NM_005902.4(SMAD3):c.501C>T (p.Pro167=)

Gene: SMAD3 (SMAD family member 3; plus strand). Cytogenetic location: 15q22.33.
Variant type: single nucleotide variant.
Coding change: c.501C>T on transcript NM_005902.4 (MANE Select); coding-DNA position 501, C replaced by T.
Protein change: p.Pro167=; no amino-acid change (proline 167 retained).
Molecular consequence: synonymous variant.
Genome position (GRCh38, 1-based): chr15:67,165,353, C>T. VCF-style: chr15-67165353-C-T. GRCh37 (hg19) VCF-style: chr15-67457691-C-T.
Other names: c.186C>T, p.Pro62= (NM_001145102.2); c.369C>T, p.Pro123= (NM_001145103.2).
Identifiers: ClinVar variation 389260 (VCV000389260.39), dbSNP rs138395233, ClinGen allele CA062287.